The following is an entry in ClinVar:

NM_001166108.2(PALLD):c.608G>A (p.Gly203Glu)

Gene: PALLD (palladin, cytoskeletal associated protein; plus strand). Cytogenetic location: 4q32.3.
Variant type: single nucleotide variant.
Coding change: c.608G>A on transcript NM_001166108.2 (MANE Select); coding-DNA position 608, G replaced by A.
Protein change: p.Gly203Glu; replaces glycine 203 with glutamic acid.
Molecular consequence: missense variant.
Genome position (GRCh38, 1-based): chr4:168,512,112, G>A. VCF-style: chr4-168512112-G-A. GRCh37 (hg19) VCF-style: chr4-169433263-G-A.
Other names: c.608G>A, p.Gly203Glu (NM_016081.4); short protein forms G203E.
Identifiers: ClinVar variation 2560480 (VCV002560480.2), dbSNP rs770458533, ClinGen allele CA358726463.

ClinVar aggregate classification (germline): Uncertain significance (1 of 4 stars; one submission).

gnomAD v4.1: 6 of 1,614,186 alleles (0.00037%); highest among the groups gnomAD compares: South Asian, 0.0011%; no homozygotes.

Submission:

Ambry Genetics
Classification: Uncertain significance. Last evaluated: 2023-05-11. Review status: criteria provided, single submitter. Criteria: Ambry Variant Classification Scheme 2023. Collection method: clinical testing. Allele origin: germline.
Comment: The p.G203E variant (also known as c.608G>A), located in coding exon 1 of the PALLD gene, results from a G to A substitution at nucleotide position 608. The glycine at codon 203 is replaced by glutamic acid, an amino acid with similar properties. This amino acid position is conserved. In addition, the in silico prediction for this alteration is inconclusive. Since supporting evidence is limited at this time, the clinical significance of this alteration remains unclear.